The following is an entry in ClinVar:

ClinVar aggregate classification (germline): Pathogenic (1 of 4 stars; one submission).

Conditions:
Hereditary nonpolyposis colorectal neoplasms. Identifiers: MedGen C0009405, MeSH D003123.

Submission:

Labcorp Genetics (formerly Invitae), Labcorp
Classification: Pathogenic for Hereditary nonpolyposis colorectal neoplasms. Last evaluated: 2020-03-06. Review status: criteria provided, single submitter. Criteria: Invitae Variant Classification Sherloc (09022015). Collection method: clinical testing. Allele origin: germline.
Comment: This sequence change creates a premature translational stop signal (p.Phe119Hisfs*16) in the MSH6 gene. It is expected to result in an absent or disrupted protein product. This variant is not present in population databases (ExAC no frequency). This variant has not been reported in the literature in individuals with MSH6-related conditions. Loss-of-function variants in MSH6 are known to be pathogenic (PMID: 18269114, 24362816). For these reasons, this variant has been classified as Pathogenic.

Literature cited by the submitters: PubMed 18269114; PubMed 24362816.

NM_000179.3(MSH6):c.354_355del (p.Phe119fs)

Gene: MSH6 (mutS homolog 6; plus strand). Cytogenetic location: 2p16.3.
Variant type: Deletion.
Coding change: c.354_355del on transcript NM_000179.3 (MANE Select); coding-DNA positions 354 to 355, 2 bases deleted (AT; older notation c.354_355delAT).
Protein change: p.Phe119fs; shifts the reading frame from phenylalanine 119.
Molecular consequence: frameshift variant. On other transcripts: 5 prime UTR variant (2), intron variant (1).
Genome position (GRCh38, 1-based): chr2:47,791,020-47,791,021, AT deleted. VCF-style (leftmost placement, unchanged base first): chr2-47791019-CAT-C. GRCh37 (hg19) VCF-style: chr2-48018158-CAT-C.
Other names: c.-383_-382del (NM_001281493.2); c.-549_-548del (NM_001281494.2); c.237+7550_237+7551del (NM_001281492.2); short protein forms F119fs.
Identifiers: ClinVar variation 864514 (VCV000864514.9), dbSNP rs1668692410, ClinGen allele CA916080265.